The following is an entry in ClinVar:

ClinVar aggregate classification (germline): Pathogenic. Review status: criteria provided, multiple submitters, no conflicts (2 of 4 stars). 2 submissions from 2 submitters: Pathogenic (2). Last evaluated 2024-10-31.

Conditions:
Deeah syndrome. Also called: DEVELOPMENTAL DELAY WITH ENDOCRINE, EXOCRINE, AUTONOMIC, AND HEMATOLOGIC ABNORMALITIES. Identifiers: Orphanet 686495, MedGen C5436579, MONDO:0033561, OMIM 619004.
MADD-related disorder. Also called: MADD-Related Disorders; MADD-related condition.

Allele frequency attached by ClinVar (database versions not stated): gnomAD exomes below 0.00001; TOPMed below 0.00001.
gnomAD v4.1: 1 of 1,612,806 alleles (0.000062%); highest among the groups gnomAD compares: Non-Finnish European, 0.000085%; no homozygotes.

Submissions (2):

3billion
Classification: Pathogenic for MADD-related disorder. Last evaluated: 2024-10-31. Review status: criteria provided, single submitter. Criteria: ACMG Guidelines, 2015. Collection method: clinical testing. Allele origin: germline. Affected: yes.
Comment: The variant is observed at an extremely low frequency in the gnomAD v4.1.0 dataset (total allele frequency: <0.001%). Predicted Consequence/Location: Canonical splice site: predicted to alter splicing and result in a loss or disruption of normal protein function. Multiple pathogenic loss-of-function variants are reported downstream of the variant. The variant has been reported to be associated with MADD related disorder (ClinVar ID: VCV000973492 /PMID: 33723354). Therefore, this variant is classified as Pathogenic according to the recommendation of ACMG/AMP guideline.

Hadassah Hebrew University Medical Center
Classification: Pathogenic for Deeah syndrome. Last evaluated: 2019-06-20. Review status: criteria provided, single submitter. Criteria: ACMG Guidelines, 2015. Collection method: clinical testing. Allele origin: germline. Inheritance: Autosomal recessive inheritance. Affected: yes. Observed: 7 variant alleles.
Comment: RNA consequence: r.2714_2816del

Literature cited by the submitters: PubMed 33723354 (cited by 3billion).

NM_001376571.1(MADD):c.2816+1G>A

Gene: MADD (MAP kinase activating death domain; plus strand). Cytogenetic location: 11p11.2.
Variant type: single nucleotide variant.
Coding change: c.2816+1G>A on transcript NM_001376571.1 (MANE Select); the canonical splice donor site of the intron after coding-DNA position 2816, G replaced by A.
Molecular consequence: splice donor variant. On other transcripts: intron variant (1).
Genome position (GRCh38, 1-based): chr11:47,289,494, G>A. VCF-style: chr11-47289494-G-A. GRCh37 (hg19) VCF-style: chr11-47311045-G-A.
Other names: c.2627+1G>A (NM_001376651.1, NM_001376641.1, NM_001376595.1 and 20 more transcripts); c.2756+1G>A (NM_130470.3, NM_001376576.1, NM_001376596.1 and 13 more transcripts); c.2654+1G>A (NM_001376614.1, NM_001376583.1, NM_001376611.1 and 1 more transcripts); c.2729+1G>A (NM_001376631.1, NM_001376578.1); c.2687+1G>A (NM_001376625.1, NM_001376630.1, NM_001376636.1 and 15 more transcripts); c.2612+1G>A (NM_001376648.1, NM_001376626.1); c.2816+1G>A (NM_003682.4, NM_001376600.1, NM_001376574.1 and 11 more transcripts); c.2552+1G>A (NM_001376620.1, NM_001376657.1); and 8 more.
Identifiers: ClinVar variation 973492 (VCV000973492.5), dbSNP rs2063412625, ClinGen allele CA380343846.